The following is an entry in ClinVar:

NM_000286.3(PEX12):c.877G>A (p.Asp293Asn)

Gene: PEX12 (peroxisomal biogenesis factor 12; minus strand). Cytogenetic location: 17q12.
Variant type: single nucleotide variant.
Coding change: c.877G>A on transcript NM_000286.3 (MANE Select); coding-DNA position 877, G replaced by A.
Protein change: p.Asp293Asn; replaces aspartic acid 293 with asparagine.
Molecular consequence: missense variant.
Genome position (GRCh38, 1-based): chr17:35,575,985, C>T on the plus strand (G>A on the coding strand, the complement: PEX12 is on the minus strand). VCF-style: chr17-35575985-C-T. GRCh37 (hg19) VCF-style: chr17-33903004-C-T.
Other names: short protein forms D293N.
Identifiers: ClinVar variation 1409407 (VCV001409407.5), dbSNP rs2142229035, ClinGen allele CA399137185.
Genomic context (GRCh38, chr17:35,575,985, plus strand): 5'-TCACCCGGGTTTTACGACACAGTGGGCACACAGTCTTCATTTTGGGTAAGAGGGGAGAAT[C>T]AGAGTTATAGTCTAGGTGTACAGGTGGTGGTGGAGTAGGCAGGGCAGTCAATGACTTGAT-3'
Protein context (NP_000277.1, residues 283-303): PPPVHLDYNS[Asp293Asn]SPLLPKMKTV

ClinVar aggregate classification (germline): Uncertain significance (1 of 4 stars; one submission).

Conditions:
Peroxisome biogenesis disorder 3A (Zellweger). Also called: PEROXISOMAL BIOGENESIS DISORDER 3A (ZELLWEGER); Peroxisome biogenesis disorder 3A. Identifiers: Orphanet 912, MedGen C3553929, MONDO:0013927, OMIM 614859.

Allele frequency attached by ClinVar (database versions not stated): gnomAD exomes below 0.00001.

Submission:

Labcorp Genetics (formerly Invitae), Labcorp
Classification: Uncertain significance for Peroxisome biogenesis disorder 3A (Zellweger). Last evaluated: 2021-09-24. Review status: criteria provided, single submitter. Criteria: Invitae Variant Classification Sherloc (09022015). Collection method: clinical testing. Allele origin: germline.
Comment: This sequence change replaces aspartic acid with asparagine at codon 293 of the PEX12 protein (p.Asp293Asn). The aspartic acid residue is moderately conserved and there is a small physicochemical difference between aspartic acid and asparagine. This variant is not present in population databases (ExAC no frequency). This variant has not been reported in the literature in individuals with PEX12-related conditions. Algorithms developed to predict the effect of missense changes on protein structure and function (SIFT, PolyPhen-2, Align-GVGD) all suggest that this variant is likely to be tolerated, but these predictions have not been confirmed by published functional studies and their clinical significance is uncertain. In summary, the available evidence is currently insufficient to determine the role of this variant in disease. Therefore, it has been classified as a Variant of Uncertain Significance.